The following is an entry in ClinVar:

NM_002230.4(JUP):c.605_617delinsGTCGCACAACCTCTCCCACCACCA (p.Ala202fs)

Gene: JUP (junction plakoglobin; minus strand). Cytogenetic location: 17q21.2.
Variant type: Indel.
Coding change: c.605_617delinsGTCGCACAACCTCTCCCACCACCA on transcript NM_002230.4 (MANE Select); coding-DNA positions 605 to 617, CCCGCTGCACCAC replaced by GTCGCACAACCTCTCCCACCACCA.
Protein change: p.Ala202fs; shifts the reading frame from alanine 202.
Molecular consequence: frameshift variant.
Genome position (GRCh38, 1-based): chr17:41,769,059-41,769,071, GTGGTGCAGCGGG replaced by TGGTGGTGGGAGAGGTTGTGCGAC on the plus strand (CCCGCTGCACCAC replaced by GTCGCACAACCTCTCCCACCACCA on the coding strand, the reverse complement: JUP is on the minus strand). GRCh37 (hg19): chr17:39,925,311-39,925,323.
Other names: c.605_617delinsGTCGCACAACCTCTCCCACCACCA, p.Ala202fs (NM_001352773.2, NM_001352774.2, NM_001352775.2 and 3 more transcripts); c.605_617del13insGTCGCACAACCTCTCCCACCACCA (NM_002230.2); short protein forms A202fs.
Identifiers: ClinVar variation 4040985 (VCV004040985.1).
Genomic context (GRCh38, chr17:41,769,059, plus strand): 5'-CCCGACTTGAAGATGGCGAGCAGCCCCTCCCGGTGGTGGGAGAGGTTGTGCAGGATGCTG[GTGGTGCAGCGGG>TGGTGGTGGGAGAGGTTGTGCGAC]CTGTGTCCAGGTCGCTGGTATTCTGCATGGTACGCACGACAGCGGCCACCAGCTGGGGCG-3'

ClinVar aggregate classification (germline): Uncertain significance (1 of 4 stars; one submission).

Conditions:
Cardiovascular phenotype. Identifiers: MedGen CN230736.

Submission:

Ambry Genetics
Classification: Uncertain significance for Cardiovascular phenotype. Last evaluated: 2025-04-18. Review status: criteria provided, single submitter. Criteria: Ambry Variant Classification Scheme 2023. Collection method: clinical testing. Allele origin: germline.
Comment: The c.605_617del13ins24 variant, located in coding exon 3 of the JUP gene, results from the deletion of 13 nucleotides and insertion of 24 nucleotides causing a translational frameshift with a predicted alternate stop codon (p.A202Gfs*107). This alteration is expected to result in loss of function by premature protein truncation or nonsense-mediated mRNA decay. Although biallelic loss of function of JUP has been associated with autosomal recessive Naxos disease, haploinsufficiency of JUP has not been established as a mechanism of disease for autosomal dominant arrhythmogenic right ventricular cardiomyopathy. Based on the supporting evidence, this variant is expected to be causative of autosomal recessive Naxos disease when present along with a second pathogenic variant on the other allele; however, its clinical significance for autosomal dominant arrhythmogenic right ventricular cardiomyopathy is unclear.